The following is an entry in ClinVar:

ClinVar aggregate classification (germline): Uncertain significance (1 of 4 stars; one submission).

Submission:

Labcorp Genetics (formerly Invitae), Labcorp
Classification: Uncertain significance. Last evaluated: 2022-06-20. Review status: criteria provided, single submitter. Criteria: Invitae Variant Classification Sherloc (09022015). Collection method: clinical testing. Allele origin: germline.
Comment: Information on the frequency of this variant in the gnomAD database is not available, as this variant may be reported differently in the database. In summary, the available evidence is currently insufficient to determine the role of this variant in disease. Therefore, it has been classified as a Variant of Uncertain Significance. Experimental studies and prediction algorithms are not available or were not evaluated, and the functional significance of this variant is currently unknown. ClinVar contains an entry for this variant (Variation ID: 1007734). This missense change has been observed in individual(s) with nyctalopia, peripheral + central field loss, bone spicules, and abnml fundus (Invitae). This sequence change replaces glutamine, which is neutral and polar, with glutamic acid, which is acidic and polar, at codon 2065 of the PRPF8 protein (p.Gln2065Glu).

NM_006445.4(PRPF8):c.6192_6193delinsAG (p.Gln2065Glu)

Gene: PRPF8 (pre-mRNA processing factor 8; minus strand). Cytogenetic location: 17p13.3.
Variant type: Indel.
Coding change: c.6192_6193delinsAG on transcript NM_006445.4 (MANE Select); coding-DNA positions 6192 to 6193, CC replaced by AG.
Protein change: p.Gln2065Glu; replaces glutamine 2065 with glutamic acid.
Molecular consequence: missense variant.
Genome position (GRCh38, 1-based): chr17:1,653,811-1,653,812, GG replaced by CT on the plus strand (CC replaced by AG on the coding strand, the reverse complement: PRPF8 is on the minus strand). VCF-style: chr17-1653811-GG-CT. GRCh37 (hg19) VCF-style: chr17-1557105-GG-CT.
Other names: short protein forms Q2065E.
Identifiers: ClinVar variation 1007734 (VCV001007734.5), dbSNP rs1911208576, ClinGen allele CA2242980143.